The following is an entry in ClinVar:

ClinVar aggregate classification (germline): Uncertain significance (1 of 4 stars; one submission).

Conditions:
Epilepsy, familial adult myoclonic, 5 (EPEO5). Also called: CORTICAL MYOCLONIC TREMOR WITH EPILEPSY, FAMILIAL, 5. Identifiers: Orphanet 86814, MedGen C3809374, MONDO:0014167, OMIM 615400.

Allele frequency attached by ClinVar (database versions not stated): gnomAD exomes 0.00001.
gnomAD v4.1: 13 of 1,613,762 alleles (0.00081%); highest among the groups gnomAD compares: Non-Finnish European, 0.001%; no homozygotes.

Submission:

Labcorp Genetics (formerly Invitae), Labcorp
Classification: Uncertain significance for Epilepsy, familial adult myoclonic, 5. Last evaluated: 2022-03-26. Review status: criteria provided, single submitter. Criteria: Invitae Variant Classification Sherloc (09022015). Collection method: clinical testing. Allele origin: germline.
Comment: This sequence change falls in intron 12 of the CNTN2 gene. It does not directly change the encoded amino acid sequence of the CNTN2 protein. It affects a nucleotide within the consensus splice site. This variant is not present in population databases (gnomAD no frequency). This variant has not been reported in the literature in individuals affected with CNTN2-related conditions. Variants that disrupt the consensus splice site are a relatively common cause of aberrant splicing (PMID: 17576681, 9536098). Algorithms developed to predict the effect of sequence changes on RNA splicing suggest that this variant may create or strengthen a splice site. In summary, the available evidence is currently insufficient to determine the role of this variant in disease. Therefore, it has been classified as a Variant of Uncertain Significance.

Literature cited by the submitters: PubMed 17576681; PubMed 9536098.

NM_005076.5(CNTN2):c.1519+5G>A

Gene: CNTN2 (contactin 2; plus strand). Cytogenetic location: 1q32.1.
Variant type: single nucleotide variant.
Coding change: c.1519+5G>A on transcript NM_005076.5 (MANE Select); 5 bases into the intron after coding-DNA position 1519, G replaced by A.
Molecular consequence: intron variant.
Genome position (GRCh38, 1-based): chr1:205,064,755, G>A. VCF-style: chr1-205064755-G-A. GRCh37 (hg19) VCF-style: chr1-205033883-G-A.
Other names: c.1519+5G>A (NM_001346083.2).
Identifiers: ClinVar variation 2421010 (VCV002421010.3), dbSNP rs1028279394, ClinGen allele CA36372700.